The following is an entry in ClinVar:

NM_000179.3(MSH6):c.3098T>A (p.Met1033Lys)

Gene: MSH6 (mutS homolog 6; plus strand). Cytogenetic location: 2p16.3.
Variant type: single nucleotide variant.
Coding change: c.3098T>A on transcript NM_000179.3 (MANE Select); coding-DNA position 3098, T replaced by A.
Protein change: p.Met1033Lys; replaces methionine 1033 with lysine.
Molecular consequence: missense variant.
Genome position (GRCh38, 1-based): chr2:47,801,081, T>A. VCF-style: chr2-47801081-T-A. GRCh37 (hg19) VCF-style: chr2-48028220-T-A.
Other names: c.2708T>A, p.Met903Lys (NM_001281492.2); c.2192T>A, p.Met731Lys (NM_001281493.2, NM_001281494.2); short protein forms M1033K, M903K, M731K.
Identifiers: ClinVar variation 428405 (VCV000428405.15), dbSNP rs751035257, ClinGen allele CA346756599.
Genomic context (GRCh38, chr2:47,801,081, plus strand): 5'-AGAAGTTGGCTAATCTCATAAATGCTGAAGAACGGAGGGATGTATCATTGAAGGACTGCA[T>A]GCGGCGACTGTTCTATAACTTTGATAAAAATTACAAGGACTGGCAGTCTGCTGTAGAGTG-3'
Protein context (NP_000170.1, residues 1023-1043): ERRDVSLKDC[Met1033Lys]RRLFYNFDKN

ClinVar aggregate classification (germline): Conflicting classifications of pathogenicity. Review status: criteria provided, conflicting classifications (1 of 4 stars). 5 submissions from 5 submitters: Uncertain significance (4); Likely benign (1). Last evaluated 2025-07-09.

Conditions:
Lynch syndrome 5 (LYNCH5). Also called: Hereditary non-polyposis colorectal cancer, type 5; Colorectal cancer, hereditary nonpolyposis, type 5. Identifiers: Orphanet 144, MedGen C1833477, MONDO:0013710, OMIM 614350. Disease mechanism: loss of function.
Hereditary cancer-predisposing syndrome. Also called: Hereditary Cancer Syndrome; Neoplastic Syndromes, Hereditary; Hereditary neoplastic syndrome; Tumor predisposition. Identifiers: Orphanet 140162, MedGen C0027672, MeSH D009386, MONDO:0015356.
Hereditary nonpolyposis colorectal neoplasms. Identifiers: MedGen C0009405, MeSH D003123.

Submissions (5):

Ambry Genetics
Classification: Uncertain significance for Hereditary cancer-predisposing syndrome. Last evaluated: 2025-07-09. Review status: criteria provided, single submitter. Criteria: Ambry Variant Classification Scheme 2023. Collection method: clinical testing. Allele origin: germline.
Comment: The p.M1033K variant (also known as c.3098T>A), located in coding exon 4 of the MSH6 gene, results from a T to A substitution at nucleotide position 3098. The methionine at codon 1033 is replaced by lysine, an amino acid with few similar properties. This amino acid position is highly conserved in available vertebrate species. In addition, this alteration is predicted to be deleterious by in silico analysis. Based on the available evidence, the clinical significance of this variant remains unclear.

Quest Diagnostics Nichols Institute San Juan Capistrano
Classification: Uncertain significance. Last evaluated: 2025-07-09. Review status: criteria provided, single submitter. Criteria: Quest Diagnostics criteria. Collection method: clinical testing. Allele origin: unknown.
Comment: The MSH6 c.3098T>A (p.Met1033Lys) variant has not been reported in individuals with MSH6-related conditions in the published literature. It also has not been reported in large, multi-ethnic general populations (Genome Aggregation Database). Analysis of this variant using bioinformatics tools for the prediction of the effect of amino acid changes on protein structure and function yielded conflicting predictions that this variant is benign or damaging. Based on the available information, we are unable to determine the clinical significance of this variant.

Labcorp Genetics (formerly Invitae), Labcorp
Classification: Uncertain significance for Hereditary nonpolyposis colorectal neoplasms. Last evaluated: 2025-05-15. Review status: criteria provided, single submitter. Criteria: Invitae Variant Classification Sherloc (09022015). Collection method: clinical testing. Allele origin: germline.
Comment: This sequence change replaces methionine, which is neutral and non-polar, with lysine, which is basic and polar, at codon 1033 of the MSH6 protein (p.Met1033Lys). This variant is not present in population databases (gnomAD no frequency). This variant has not been reported in the literature in individuals affected with MSH6-related conditions. ClinVar contains an entry for this variant (Variation ID: 428405). Invitae Evidence Modeling of protein sequence and biophysical properties (such as structural, functional, and spatial information, amino acid conservation, physicochemical variation, residue mobility, and thermodynamic stability) indicates that this missense variant is not expected to disrupt MSH6 protein function with a negative predictive value of 95%. In summary, the available evidence is currently insufficient to determine the role of this variant in disease. Therefore, it has been classified as a Variant of Uncertain Significance.

GeneDx
Classification: Uncertain significance. Last evaluated: 2017-03-10. Review status: criteria provided, single submitter. Criteria: GeneDx Variant Classification (06012015). Collection method: clinical testing. Allele origin: germline. Affected: yes.
Comment: This variant is denoted MSH6 c.3098T>A at the cDNA level, p.Met1033Lys (M1033K) at the protein level, and results in the change of a Methionine to a Lysine (ATG>AAG). This variant has not, to our knowledge, been published in the literature as pathogenic or benign. MSH6 Met1033Lys was not observed in large population cohorts (NHLBI Exome Sequencing Project, The 1000 Genomes Consortium 2015, Lek 2016). Since Methionine and Lysine differ in polarity, charge, size or other properties, this is considered a non-conservative amino acid substitution. MSH6 Met1033Lys occurs at a position that is conserved across species and is located within the Lever domain (Warren 2007, Kansikas 2011). In silico analyses predict that this variant is probably damaging to protein structure and function. Based on currently available evidence, it is unclear whether MSH6 Met1033Lys is a pathogenic or benign variant. We consider it to be a variant of uncertain significance.

Center for Human Genetics, Inc
Classification: Likely benign for Lynch syndrome 5. Last evaluated: 2016-11-01. Review status: criteria provided, single submitter. Criteria: ACMG Guidelines, 2015. Collection method: clinical testing. Allele origin: germline. Affected: yes.

Literature cited by the submitters: PubMed 32459922 (cited by Quest Diagnostics Nichols Institute San Juan Capistrano).